The following is an entry in ClinVar:

ClinVar aggregate classification (germline): Uncertain significance (1 of 4 stars; one submission).

Conditions:
Pitt-Hopkins-like syndrome 2 (PTHSL2). Identifiers: Orphanet 221150, Orphanet 600663, MedGen C3280479, MONDO:0013690, OMIM 614325.

Allele frequency attached by ClinVar (database versions not stated): gnomAD exomes below 0.00001; TOPMed 0.00002.
gnomAD v4.1: 7 of 1,613,060 alleles (0.00043%); highest among the groups gnomAD compares: African/African-American, 0.0093%; no homozygotes.

Submission:

Labcorp Genetics (formerly Invitae), Labcorp
Classification: Uncertain significance for Pitt-Hopkins-like syndrome 2. Last evaluated: 2025-12-28. Review status: criteria provided, single submitter. Criteria: Invitae Variant Classification Sherloc (09022015). Collection method: clinical testing. Allele origin: germline.
Comment: This sequence change replaces threonine, which is neutral and polar, with serine, which is neutral and polar, at codon 428 of the NRXN1 protein (p.Thr428Ser). This variant is present in population databases (no rsID available, gnomAD 0.01%). This variant has not been reported in the literature in individuals affected with NRXN1-related conditions. ClinVar contains an entry for this variant (Variation ID: 948348). An algorithm developed to predict the effect of missense changes on protein structure and function (PolyPhen-2) suggests that this variant is likely to be disruptive. In summary, the available evidence is currently insufficient to determine the role of this variant in disease. Therefore, it has been classified as a Variant of Uncertain Significance.

NM_001330078.2(NRXN1):c.1162A>T (p.Thr388Ser)

Gene: NRXN1 (neurexin 1; minus strand). Cytogenetic location: 2p16.3.
Variant type: single nucleotide variant.
Coding change: c.1162A>T on transcript NM_001330078.2 (MANE Select); coding-DNA position 1162, A replaced by T.
Protein change: p.Thr388Ser; replaces threonine 388 with serine.
Molecular consequence: missense variant.
Genome position (GRCh38, 1-based): chr2:50,620,180, T>A on the plus strand (A>T on the coding strand, the complement: NRXN1 is on the minus strand). VCF-style: chr2-50620180-T-A. GRCh37 (hg19) VCF-style: chr2-50847318-T-A.
Other names: c.1282A>T, p.Thr428Ser (NM_001135659.3); c.1138A>T, p.Thr380Ser (NM_001330077.2, NM_001330082.2, NM_001330095.2); c.1123A>T, p.Thr375Ser (NM_001330083.2, NM_001330084.2); c.1162A>T, p.Thr388Ser (NM_001330085.2, NM_001330086.2, NM_004801.6); c.1078A>T, p.Thr360Ser (NM_001330087.2, NM_001330096.2); c.1108A>T, p.Thr370Ser (NM_001330088.2); c.1159A>T, p.Thr387Ser (NM_001330093.2); c.1150A>T, p.Thr384Ser (NM_001330094.2); short protein forms T375S, T387S, T428S, T370S, T384S, T388S, T360S, T380S.
Identifiers: ClinVar variation 948348 (VCV000948348.9), dbSNP rs938438027, ClinGen allele CA47954346.
Genomic context (GRCh38, chr2:50,620,180, plus strand): 5'-GCATGGTATAATCTTCTTGCGTGTAGCCCGTTGTGGTAAGAATCCCATCCACTGATATTG[T>A]CACCTAGATAACAAAGCACAGGGAAAGGACACGCTATACTCAGACCTAGATACTGTAATC-3'
Protein context (NP_001317007.1, residues 378-398): QHSGIGHAMV[Thr388Ser]ISVDGILTTT